The following is an entry in ClinVar:

ClinVar aggregate classification (germline): Likely pathogenic (1 of 4 stars; one submission).

Submission:

CeGaT Center for Human Genetics Tuebingen
Classification: Likely pathogenic. Last evaluated: 2024-06-01. Review status: criteria provided, single submitter. Criteria: CeGaT Center For Human Genetics Tuebingen Variant Classification Criteria Version 2. Collection method: clinical testing. Allele origin: germline. Affected: yes. Observed: 1 variant allele.
Comment: TTN: PVS1:Strong, PM2

NM_001267550.2(TTN):c.65491C>T (p.Gln21831Ter)

Genes: TTN (titin; minus strand), TTN-AS1 (TTN antisense RNA 1; plus strand). Cytogenetic location: 2q31.2.
Variant type: single nucleotide variant.
Coding change: c.65491C>T on transcript NM_001267550.2 (MANE Select); coding-DNA position 65491, C replaced by T.
Protein change: p.Gln21831Ter; replaces glutamine 21831 with a stop codon.
Molecular consequence: nonsense. On other transcripts: non-coding transcript variant (1).
Genome position (GRCh38, 1-based): chr2:178,583,691, G>A on the plus strand (C>T on the coding strand, the complement: TTN is on the minus strand). VCF-style: chr2-178583691-G-A. GRCh37 (hg19) VCF-style: chr2-179448418-G-A.
Other names: c.60568C>T, p.Gln20190Ter (NM_001256850.1); c.38296C>T, p.Gln12766Ter (NM_003319.4); c.57787C>T, p.Gln19263Ter (NM_133378.4); c.38671C>T, p.Gln12891Ter (NM_133432.3); c.38872C>T, p.Gln12958Ter (NM_133437.4); short protein forms Q12766*, Q12891*, Q12958*, Q19263*, Q20190*, Q21831*.
Identifiers: ClinVar variation 3251013 (VCV003251013.18), dbSNP rs2469100170.